The following is an entry in ClinVar:

NM_002972.4(SBF1):c.965C>A (p.Pro322His)

Gene: SBF1 (SET binding factor 1; minus strand). Cytogenetic location: 22q13.33.
Variant type: single nucleotide variant.
Coding change: c.965C>A on transcript NM_002972.4 (MANE Select); coding-DNA position 965, C replaced by A.
Protein change: p.Pro322His; replaces proline 322 with histidine.
Molecular consequence: missense variant.
Genome position (GRCh38, 1-based): chr22:50,466,007, G>T on the plus strand (C>A on the coding strand, the complement: SBF1 is on the minus strand). VCF-style: chr22-50466007-G-T. GRCh37 (hg19) VCF-style: chr22-50904436-G-T.
Other names: c.968C>A, p.Pro323His (NM_001365819.1, NM_001410794.1); c.965C>A, p.Pro322His (NM_001410795.1, NM_197971.1); short protein forms P323H, P322H.
Identifiers: ClinVar variation 2096274 (VCV002096274.4), dbSNP rs746975354, ClinGen allele CA325535085.

ClinVar aggregate classification (germline): Uncertain significance (1 of 4 stars; one submission).

Allele frequency attached by ClinVar (database versions not stated): TOPMed below 0.00001.

Submission:

Labcorp Genetics (formerly Invitae), Labcorp
Classification: Uncertain significance. Last evaluated: 2022-02-10. Review status: criteria provided, single submitter. Criteria: Invitae Variant Classification Sherloc (09022015). Collection method: clinical testing. Allele origin: germline.
Comment: This variant is present in population databases (no rsID available, gnomAD 0.007%). In summary, the available evidence is currently insufficient to determine the role of this variant in disease. Therefore, it has been classified as a Variant of Uncertain Significance. Algorithms developed to predict the effect of missense changes on protein structure and function are either unavailable or do not agree on the potential impact of this missense change (SIFT: "Tolerated"; PolyPhen-2: "Possibly Damaging"; Align-GVGD: "Class C0"). This variant has not been reported in the literature in individuals affected with SBF1-related conditions. This sequence change replaces proline, which is neutral and non-polar, with histidine, which is basic and polar, at codon 322 of the SBF1 protein (p.Pro322His).